The following is an entry in ClinVar:

ClinVar aggregate classification (germline): Likely benign. Review status: criteria provided, multiple submitters, no conflicts (2 of 4 stars). 3 submissions from 3 submitters: Likely benign (3). Last evaluated 2026-02-01.

Allele frequency attached by ClinVar (database versions not stated): 1000 Genomes Project 0.00120; 1000 Genomes Project 30x 0.00125; ExAC 0.00152; gnomAD exomes 0.00176 and 0.00285; ESP Exome Variant Server 0.00177; gnomAD 0.00196 and 0.00202; TOPMed 0.00207.
gnomAD v4.1: 4,414 of 1,613,416 alleles (0.27%); highest among the groups gnomAD compares: Non-Finnish European, 0.35%; 14 homozygotes.

Submissions (3):

CeGaT Center for Human Genetics Tuebingen
Classification: Likely benign. Last evaluated: 2026-02-01. Review status: criteria provided, single submitter. Criteria: CeGaT Center For Human Genetics Tuebingen Variant Classification Criteria Version 2. Collection method: clinical testing. Allele origin: germline. Affected: yes. Observed: 4 variant alleles.
Comment: FLT1: BP4, BS2

Labcorp Genetics (formerly Invitae), Labcorp
Classification: Likely benign. Last evaluated: 2018-07-25. Review status: criteria provided, single submitter. Criteria: Invitae Variant Classification Sherloc (09022015). Collection method: clinical testing. Allele origin: germline.

Breakthrough Genomics
Classification: Likely benign. Review status: criteria provided, single submitter. Criteria: ACMG Guidelines, 2015. Collection method: not provided. Allele origin: germline. Inheritance: Unknown mechanism. Affected: yes.

NM_002019.4(FLT1):c.3552C>T (p.Tyr1184=)

Gene: FLT1 (fms related receptor tyrosine kinase 1; minus strand). Cytogenetic location: 13q12.3.
Variant type: single nucleotide variant.
Coding change: c.3552C>T on transcript NM_002019.4 (MANE Select); coding-DNA position 3552, C replaced by T.
Protein change: p.Tyr1184=; no amino-acid change (tyrosine 1184 retained).
Molecular consequence: synonymous variant.
Genome position (GRCh38, 1-based): chr13:28,311,673, G>A on the plus strand (C>T on the coding strand, the complement: FLT1 is on the minus strand). VCF-style: chr13-28311673-G-A. GRCh37 (hg19) VCF-style: chr13-28885810-G-A.
Identifiers: ClinVar variation 775340 (VCV000775340.28), dbSNP rs55673217, ClinGen allele CA6929891.